The following is an entry in ClinVar:

NM_005994.4(TBX2):c.-174G>T

Genes: TBX2 (T-box transcription factor 2; plus strand), LOC109280161 (TBX2 promoter region; plus strand). Cytogenetic location: 17q23.2.
Variant type: single nucleotide variant.
Coding change: c.-174G>T on transcript NM_005994.4 (MANE Select); 174 bases upstream of the start codon, G replaced by T.
Molecular consequence: 5 prime UTR variant.
Genome position (GRCh38, 1-based): chr17:61,400,003, G>T. VCF-style: chr17-61400003-G-T. GRCh37 (hg19) VCF-style: chr17-59477364-G-T.
Identifiers: ClinVar variation 4979914 (VCV004979914.1).
Genomic context (GRCh38, chr17:61,400,003, plus strand): 5'-GGAGCGGGCCAGCTCAGCCCGGCCCAGCCCGGCCCCGCGCAGAGCCCCCGCCGCCCCCGC[G>T]CACAGAGCCGGGTGCCCCTTGCGGTGCGCCGGACGGGAAGCCCCGAGGAGCAGCTGCTGC-3'

ClinVar aggregate classification (germline): Likely benign (1 of 4 stars; one submission).

Conditions:
TBX2-related disorder. Also called: TBX2-related condition.

gnomAD v4.1: 30 of 186,780 alleles (0.016%); highest among the groups gnomAD compares: Non-Finnish European, 0.027%; no homozygotes.

Submission:

PreventionGenetics, part of Exact Sciences
Classification: Likely benign for TBX2-related condition. Last evaluated: 2026-01-15. Review status: criteria provided, single submitter. Criteria: ACMG Guidelines, 2015. Collection method: clinical testing. Allele origin: germline.
Comment: This variant is classified as likely benign based on ACMG/AMP sequence variant interpretation guidelines (Richards et al. 2015 PMID: 25741868, with internal and published modifications).